The following is an entry in ClinVar:

NM_015198.5(COBL):c.1974G>A (p.Glu658=)

Gene: COBL (cordon-bleu WH2 repeat protein; minus strand). Cytogenetic location: 7p12.1.
Variant type: single nucleotide variant.
Coding change: c.1974G>A on transcript NM_015198.5 (MANE Select); coding-DNA position 1974, G replaced by A.
Protein change: p.Glu658=; no amino-acid change (glutamic acid 658 retained).
Molecular consequence: synonymous variant.
Genome position (GRCh38, 1-based): chr7:51,029,122, C>T on the plus strand (G>A on the coding strand, the complement: COBL is on the minus strand). VCF-style: chr7-51029122-C-T. GRCh37 (hg19) VCF-style: chr7-51096819-C-T.
Other names: c.2220G>A, p.Glu740= (NM_001410881.1); c.2145G>A, p.Glu715= (NM_001287436.3, NM_001346441.2); c.1974G>A, p.Glu658= (NM_001346442.2, NM_001346443.2).
Identifiers: ClinVar variation 2657506 (VCV002657506.24), dbSNP rs140856856, ClinGen allele CA4263651.

ClinVar aggregate classification (germline): Likely benign (1 of 4 stars; one submission).

Allele frequency attached by ClinVar (database versions not stated): 1000 Genomes Project 30x 0.00078; 1000 Genomes Project 0.00080; gnomAD 0.00176; TOPMed 0.00186; ESP Exome Variant Server 0.00215; ExAC 0.00260; gnomAD exomes 0.00281.
gnomAD v4.1: 4,386 of 1,614,176 alleles (0.27%); highest among the groups gnomAD compares: Middle Eastern, 1.3%; 7 homozygotes.

Submission:

CeGaT Center for Human Genetics Tuebingen
Classification: Likely benign. Last evaluated: 2023-01-01. Review status: criteria provided, single submitter. Criteria: CeGaT Center For Human Genetics Tuebingen Variant Classification Criteria Version 2. Collection method: clinical testing. Allele origin: germline. Affected: yes. Observed: 1 variant allele.
Comment: COBL: BP4, BP7